The following is an entry in ClinVar:

ClinVar aggregate classification (germline): Likely benign. Review status: criteria provided, multiple submitters, no conflicts (2 of 4 stars). 2 submissions from 2 submitters: Likely benign (2). Last evaluated 2026-02-03.

Conditions:
EPILEPSY, CHILDHOOD ABSENCE, SUSCEPTIBILITY TO, 2 (ECA2). Identifiers: Orphanet 64280, MedGen C1843244, OMIM 607681.
Febrile seizures, familial, 8 (FEB8). Also called: CONVULSIONS, FAMILIAL FEBRILE, 8. Identifiers: Orphanet 36387, MedGen C1969810, MONDO:0011891, OMIM 607681.
GABRG2-related disorder. Also called: GABRG2-related condition.

gnomAD v4.1: 1 of 1,578,496 alleles (0.000063%); no homozygotes.

Submissions (2):

Labcorp Genetics (formerly Invitae), Labcorp
Classification: Likely benign for Febrile seizures, familial, 8; EPILEPSY, CHILDHOOD ABSENCE, SUSCEPTIBILITY TO, 2. Last evaluated: 2026-02-03. Review status: criteria provided, single submitter. Criteria: Invitae Variant Classification Sherloc (09022015). Collection method: clinical testing. Allele origin: germline.

PreventionGenetics, part of Exact Sciences
Classification: Likely benign for GABRG2-related condition. Last evaluated: 2025-10-30. Review status: criteria provided, single submitter. Criteria: ACMG Guidelines, 2015. Collection method: clinical testing. Allele origin: germline.
Comment: This variant is classified as likely benign based on ACMG/AMP sequence variant interpretation guidelines (Richards et al. 2015 PMID: 25741868, with internal and published modifications).

NM_198904.4(GABRG2):c.327+8T>G

Gene: GABRG2 (gamma-aminobutyric acid type A receptor subunit gamma2; plus strand). Cytogenetic location: 5q34.
Variant type: single nucleotide variant.
Coding change: c.327+8T>G on transcript NM_198904.4 (MANE Select); 8 bases into the intron after coding-DNA position 327, T replaced by G.
Molecular consequence: intron variant.
Genome position (GRCh38, 1-based): chr5:162,095,570, T>G. VCF-style: chr5-162095570-T-G. GRCh37 (hg19) VCF-style: chr5-161522576-T-G.
Other names: c.42+8T>G (NM_001375349.1); c.327+8T>G (NM_001375343.1, NM_001375344.1, NM_001375340.1 and 4 more transcripts); c.-32+8T>G (NM_001375350.1, NM_001375348.1); c.318+8T>G (NM_001375339.1); c.261+8T>G (NM_001375346.1, NM_001375345.1); c.240+8T>G (NM_001375347.1).
Identifiers: ClinVar variation 4792353 (VCV004792353.2).